The following is an entry in ClinVar:

NM_016938.5(EFEMP2):c.809C>T (p.Pro270Leu)

Gene: EFEMP2 (EGF containing fibulin extracellular matrix protein 2; minus strand). Cytogenetic location: 11q13.1.
Variant type: single nucleotide variant.
Coding change: c.809C>T on transcript NM_016938.5 (MANE Select); coding-DNA position 809, C replaced by T.
Protein change: p.Pro270Leu; replaces proline 270 with leucine.
Molecular consequence: missense variant. On other transcripts: non-coding transcript variant (1).
Genome position (GRCh38, 1-based): chr11:65,868,548, G>A on the plus strand (C>T on the coding strand, the complement: EFEMP2 is on the minus strand). VCF-style: chr11-65868548-G-A. GRCh37 (hg19) VCF-style: chr11-65636019-G-A.
Other names: short protein forms P270L.
Identifiers: ClinVar variation 2507211 (VCV002507211.1), dbSNP rs2495574730, ClinGen allele CA381356504.
Genomic context (GRCh38, chr11:65,868,548, plus strand): 5'-ATCCCACCCGGGCAACCTGTACCTTGGCAGAGGCGTGTGGCCAGCAGCTGGTAACCCTGT[G>A]GGCAGTGGCAGGAGAAACGGCCTGGCTCGTTGATGCAGCGGTACTGACAGAGGTAGCTGG-3'
Protein context (NP_058634.4, residues 260-280): NEPGRFSCHC[Pro270Leu]QGYQLLATRL

ClinVar aggregate classification (germline): Uncertain significance (1 of 4 stars; one submission).

Submission:

GeneDx
Classification: Uncertain significance. Last evaluated: 2023-06-06. Review status: criteria provided, single submitter. Criteria: GeneDx Variant Classification Process June 2021. Collection method: clinical testing. Allele origin: germline. Affected: yes.
Comment: Has not been previously published as pathogenic or benign to our knowledge; Not observed at significant frequency in large population cohorts (gnomAD); In silico analysis supports that this missense variant has a deleterious effect on protein structure/function